The following is an entry in ClinVar:

ClinVar aggregate classification (germline): Conflicting classifications of pathogenicity. Review status: criteria provided, conflicting classifications (1 of 4 stars). 3 submissions from 3 submitters: Uncertain significance (1); Likely benign (1). 1 of the submissions does not count toward it. Last evaluated 2026-01-20.

Conditions:
3-Oxo-5 alpha-steroid delta 4-dehydrogenase deficiency (PPSH). Also called: 46,XY disorder of sex development due to 5-alpha-reductase 2 deficiency; PSEUDOVAGINAL PERINEOSCROTAL HYPOSPADIAS; FAMILIAL INCOMPLETE MALE PSEUDOHERMAPHRODITISM, TYPE 2; MALE PSEUDOHERMAPHRODITISM DUE TO 5-ALPHA-REDUCTASE DEFICIENCY. Identifiers: Orphanet 753, MedGen C0268297, MONDO:0009923, OMIM 264600. Disease mechanism: loss of function.

Allele frequency attached by ClinVar (database versions not stated): gnomAD exomes 0.00011 and 0.00019; ExAC 0.00024; ESP Exome Variant Server 0.00025; gnomAD 0.00054 and 0.00055; TOPMed 0.00069; 1000 Genomes Project 30x 0.00078; 1000 Genomes Project 0.00080.
gnomAD v4.1: 250 of 1,600,524 alleles (0.016%); highest among the groups gnomAD compares: African/African-American, 0.21%; no homozygotes.

Submissions (3):

Labcorp Genetics (formerly Invitae), Labcorp
Classification: Likely benign for 3-Oxo-5 alpha-steroid delta 4-dehydrogenase deficiency. Last evaluated: 2026-01-20. Review status: criteria provided, single submitter. Criteria: Invitae Variant Classification Sherloc (09022015). Collection method: clinical testing. Allele origin: germline.

GeneDx
Classification: Uncertain significance. Last evaluated: 2020-08-07. Review status: criteria provided, single submitter. Criteria: GeneDx Variant Classification Process June 2021. Collection method: clinical testing. Allele origin: germline. Affected: yes.
Comment: In silico analysis supports that this variant does not alter splicing; Has not been previously published as pathogenic or benign to our knowledge

University of Sydney Medical Foundation
No classification provided. Review status: no classification provided. Collection method: not provided. Allele origin: not provided. Not counted in ClinVar's aggregate classification.

NM_000348.4(SRD5A2):c.210G>A (p.Arg70=)

Gene: SRD5A2 (steroid 5 alpha-reductase 2; minus strand). Cytogenetic location: 2p23.1.
Variant type: single nucleotide variant.
Coding change: c.210G>A on transcript NM_000348.4 (MANE Select); coding-DNA position 210, G replaced by A.
Protein change: p.Arg70=; no amino-acid change (arginine 70 retained).
Molecular consequence: synonymous variant.
Genome position (GRCh38, 1-based): chr2:31,580,691, C>T on the plus strand (G>A on the coding strand, the complement: SRD5A2 is on the minus strand). VCF-style: chr2-31580691-C-T. GRCh37 (hg19) VCF-style: chr2-31805761-C-T.
Identifiers: ClinVar variation 97397 (VCV000097397.12), dbSNP rs61750388, ClinGen allele CA224895.